The following is an entry in ClinVar:

ClinVar aggregate classification (germline): Uncertain significance. Review status: criteria provided, multiple submitters, no conflicts (2 of 4 stars). 2 submissions from 2 submitters: Uncertain significance (2). Last evaluated 2023-08-14.

Allele frequency attached by ClinVar (database versions not stated): TOPMed 0.00004; gnomAD exomes 0.00005; ExAC 0.00009; gnomAD 0.00009; ESP Exome Variant Server 0.00024.
gnomAD v4.1: 91 of 1,606,698 alleles (0.0057%); highest among the groups gnomAD compares: Middle Eastern, 0.016%; no homozygotes.

Submissions (2):

Labcorp Genetics (formerly Invitae), Labcorp
Classification: Uncertain significance. Last evaluated: 2023-08-14. Review status: criteria provided, single submitter. Criteria: Invitae Variant Classification Sherloc (09022015). Collection method: clinical testing. Allele origin: germline.
Comment: This sequence change replaces glutamine, which is neutral and polar, with arginine, which is basic and polar, at codon 1107 of the TRIOBP protein (p.Gln1107Arg). This variant is present in population databases (rs371110433, gnomAD 0.01%). This variant has not been reported in the literature in individuals affected with TRIOBP-related conditions. ClinVar contains an entry for this variant (Variation ID: 1217732). An algorithm developed to predict the effect of missense changes on protein structure and function (PolyPhen-2) suggests that this variant is likely to be tolerated. In summary, the available evidence is currently insufficient to determine the role of this variant in disease. Therefore, it has been classified as a Variant of Uncertain Significance.

GeneDx
Classification: Uncertain significance. Last evaluated: 2020-12-10. Review status: criteria provided, single submitter. Criteria: GeneDx Variant Classification Process June 2021. Collection method: clinical testing. Allele origin: germline. Affected: yes.
Comment: In silico analysis supports that this missense variant does not alter protein structure/function; Has not been previously published as pathogenic or benign to our knowledge

NM_001039141.3(TRIOBP):c.3320A>G (p.Gln1107Arg)

Gene: TRIOBP (TRIO and F-actin binding protein; plus strand). Cytogenetic location: 22q13.1.
Variant type: single nucleotide variant.
Coding change: c.3320A>G on transcript NM_001039141.3 (MANE Select); coding-DNA position 3320, A replaced by G.
Protein change: p.Gln1107Arg; replaces glutamine 1107 with arginine.
Molecular consequence: missense variant.
Genome position (GRCh38, 1-based): chr22:37,725,876, A>G. VCF-style: chr22-37725876-A-G. GRCh37 (hg19) VCF-style: chr22-38121883-A-G.
Other names: short protein forms Q1107R.
Identifiers: ClinVar variation 1217732 (VCV001217732.6), dbSNP rs371110433, ClinGen allele CA10224093.